The following is an entry in ClinVar:

ClinVar aggregate classification (germline): Likely benign. Review status: criteria provided, multiple submitters, no conflicts (2 of 4 stars). 2 submissions from 2 submitters: Likely benign (2). Last evaluated 2026-05-01.

Conditions:
Breast-ovarian cancer, familial, susceptibility to, 1 (BROVCA1). Also called: OVARIAN CANCER, SUSCEPTIBILITY TO; BRCA1 Hereditary Breast and Ovarian Cancer. Identifiers: Orphanet 145, MedGen C2676676, MONDO:0011450, OMIM 604370. Disease mechanism: loss of function.
Hereditary cancer-predisposing syndrome. Also called: Neoplastic Syndromes, Hereditary; Tumor predisposition; Hereditary neoplastic syndrome; Hereditary Cancer Syndrome. Identifiers: Orphanet 140162, MedGen C0027672, MeSH D009386, MONDO:0015356.

gnomAD v4.1: 3 of 1,613,856 alleles (0.00019%); highest among the groups gnomAD compares: Non-Finnish European, 0.00025%; no homozygotes.

Submissions (2):

Cancer Bioinformatics and Tumour Evolution Laboratory, Monash University
Classification: Likely benign for Breast-ovarian cancer, familial, susceptibility to, 1. Last evaluated: 2026-05-01. Review status: criteria provided, single submitter. Criteria: ClinGen BRCA1 and BRCA2 Guidelines, 2024. Collection method: curation. Allele origin: germline. Inheritance: Autosomal dominant inheritance.
Comment: PMID: 39281752 - A large scale study to determine the case-control LR of BRCA1 and BRCA2 variants. The data was consolidated in the ccLR browser. This variant was found in the browser with a LR of 0.378209822 which is in the supporting benign range (0.23-0.48) according to the BRCA1 and BRCA2 VCEP. Hence, BP5 is applied. Variant is also a missense outside of a functional domain with no predicted splice impact. Hence, BP1_Strong is applied according to the BRCA1 and BRCA2 VCEP guidelines.

Ambry Genetics
Classification: Likely benign for Hereditary cancer-predisposing syndrome. Last evaluated: 2026-02-16. Review status: criteria provided, single submitter. Criteria: Ambry Variant Classification Scheme 2023. Collection method: clinical testing. Allele origin: germline.

Literature cited by the submitters: PubMed 39281752 (cited by Cancer Bioinformatics and Tumour Evolution Laboratory, Monash University).

NM_007294.4(BRCA1):c.2500G>A (p.Gly834Arg)

Gene: BRCA1 (BRCA1 DNA repair associated; minus strand). Cytogenetic location: 17q21.31.
Variant type: single nucleotide variant.
Coding change: c.2500G>A on transcript NM_007294.4 (MANE Select); coding-DNA position 2500, G replaced by A.
Protein change: p.Gly834Arg; replaces glycine 834 with arginine.
Molecular consequence: missense variant. On other transcripts: intron variant (137).
Genome position (GRCh38, 1-based): chr17:43,093,031, C>T on the plus strand (G>A on the coding strand, the complement: BRCA1 is on the minus strand). VCF-style: chr17-43093031-C-T. GRCh37 (hg19) VCF-style: chr17-41245048-C-T.
Other names: c.451+1713G>A (NM_001408508.1, NM_001408509.1); c.574+1713G>A (NM_001408491.1, NM_001408493.1, NM_001408490.1); c.461-1999G>A (NM_001408506.1, NM_001408507.1); c.577+1713G>A (NM_001408481.1, NM_001408480.1, NM_001408492.1 and 9 more transcripts); c.778+1713G>A (NM_001408408.1); c.661+1713G>A (NM_001408446.1, NM_001408435.1, NM_001408448.1 and 6 more transcripts); c.784+1713G>A (NM_001408401.1, NM_001408396.1, NM_001407985.1 and 13 more transcripts); c.548-1999G>A (NM_001408494.1); and 41 more; short protein forms G666R, G723R, G786R, G807R, G746R, G763R, G764R, G766R.
Identifiers: ClinVar variation 4828051 (VCV004828051.2).
Genomic context (GRCh38, chr17:43,093,031, plus strand): 5'-CATCAAGTTCACTTTCTTCCATTTCTATGCTTGTTTCCCGACTGTGGTTAACTTCATGTC[C>T]CAATGGATACTTAAAGCCTTCTGTGTCATTTCTATTATCTTTGGAACAACCATGAATTAG-3'
Protein context (NP_009225.1, residues 824-844): NDTEGFKYPL[Gly834Arg]HEVNHSRETS